The following is an entry in ClinVar:

NM_001009999.3(KDM1A):c.1481C>T (p.Pro494Leu)

Gene: KDM1A (lysine demethylase 1A; plus strand). Cytogenetic location: 1p36.12.
Variant type: single nucleotide variant.
Coding change: c.1481C>T on transcript NM_001009999.3 (MANE Select); coding-DNA position 1481, C replaced by T.
Protein change: p.Pro494Leu; replaces proline 494 with leucine.
Molecular consequence: missense variant.
Genome position (GRCh38, 1-based): chr1:23,071,292, C>T. VCF-style: chr1-23071292-C-T. GRCh37 (hg19) VCF-style: chr1-23397785-C-T.
Other names: c.1409C>T, p.Pro470Leu (NM_001410763.1, NM_015013.4, NM_001363654.2); c.1469C>T, p.Pro490Leu (NM_001410762.1); c.1481C>T (NM_001009999.2); short protein forms P494L, P490L, P470L.
Identifiers: ClinVar variation 3707428 (VCV003707428.3).

ClinVar aggregate classification (germline): Uncertain significance. Review status: criteria provided, multiple submitters, no conflicts (2 of 4 stars). 2 submissions from 2 submitters: Uncertain significance (2). Last evaluated 2024-12-25.

Conditions:
Inborn genetic diseases. Identifiers: MedGen C0950123, MeSH D030342.

gnomAD v4.1: 1 of 1,612,488 alleles (0.000062%); highest among the groups gnomAD compares: African/African-American, 0.0013%; no homozygotes.

Submissions (2):

Ambry Genetics
Classification: Uncertain significance for Inborn genetic diseases. Last evaluated: 2024-12-25. Review status: criteria provided, single submitter. Criteria: Ambry Variant Classification Scheme 2023. Collection method: clinical testing. Allele origin: germline.
Comment: The p.P494L variant (also known as c.1481C>T), located in coding exon 13 of the KDM1A gene, results from a C to T substitution at nucleotide position 1481. The proline at codon 494 is replaced by leucine, an amino acid with similar properties. This amino acid position is conserved. In addition, this alteration is predicted to be tolerated by in silico analysis. Based on the available evidence, the clinical significance of this variant remains unclear.

Labcorp Genetics (formerly Invitae), Labcorp
Classification: Uncertain significance. Last evaluated: 2024-03-13. Review status: criteria provided, single submitter. Criteria: Invitae Variant Classification Sherloc (09022015). Collection method: clinical testing. Allele origin: germline.
Comment: This sequence change replaces proline, which is neutral and non-polar, with leucine, which is neutral and non-polar, at codon 494 of the KDM1A protein (p.Pro494Leu). This variant is not present in population databases (gnomAD no frequency). This variant has not been reported in the literature in individuals affected with KDM1A-related conditions. Advanced modeling of protein sequence and biophysical properties (such as structural, functional, and spatial information, amino acid conservation, physicochemical variation, residue mobility, and thermodynamic stability) performed at Invitae indicates that this missense variant is not expected to disrupt KDM1A protein function with a negative predictive value of 80%. In summary, the available evidence is currently insufficient to determine the role of this variant in disease. Therefore, it has been classified as a Variant of Uncertain Significance.